The following is an entry in ClinVar:

ClinVar aggregate classification (germline): Pathogenic (1 of 4 stars; one submission).

Conditions:
Fabry disease. Also called: ALPHA-GALACTOSIDASE A DEFICIENCY; ANDERSON-FABRY DISEASE; CERAMIDE TRIHEXOSIDASE DEFICIENCY; GLA DEFICIENCY; HEREDITARY DYSTOPIC LIPIDOSIS; Angiokeratoma corporis diffusum. Identifiers: Orphanet 324, MedGen C0002986, MONDO:0010526, OMIM 301500, HP:0001071. Disease mechanism: Fabry disease is due to inactivating mutations in the X-linked GLA gene resulting in deficiency of the enzyme Alpha Galactosidase-A., loss of function.

Submission:

Genomenon, Inc
Classification: Pathogenic for Fabry disease. Last evaluated: 2026-09-08. Review status: criteria provided, single submitter. Criteria: Genomenon Sequence Variant Interpretation Standards - Updated. Collection method: curation. Allele origin: germline. Affected: yes.
Comment: GLA p.Ser62PhefsTer5 (c.184dup) is a frameshift variant that is predicted to introduce a premature termination codon and result in a truncated or absent protein product. This variant has been observed in at least one proband with clinical features consistent with Fabry disease (PMID:32843101). The variant was found to segregate with disease in at least one affected family (PMID:32843101). Functional or patient cell studies have been reported (PMID:32843101;33016649). It is absent or not present at a significant frequency in gnomAD. In conclusion, we classify GLA p.Ser62PhefsTer5 (c.184dup) as a pathogenic variant.

Literature cited by the submitters: PubMed 32843101; PubMed 33016649.

NM_000169.3(GLA):c.184dup (p.Ser62fs)

Genes: GLA (galactosidase alpha; minus strand), RPL36A-HNRNPH2 (RPL36A-HNRNPH2 readthrough; plus strand). Cytogenetic location: Xq22.1.
Variant type: Duplication.
Coding change: c.184dup on transcript NM_000169.3 (MANE Select); coding-DNA position 184, one base duplicated (T; older notation c.184dupT).
Protein change: p.Ser62fs; shifts the reading frame from serine 62.
Molecular consequence: frameshift variant. On other transcripts: non-coding transcript variant (3), intron variant (2).
Genome position (GRCh38, 1-based): chrX:101,407,720, A duplicated on the plus strand (T on the coding strand, the reverse complement: GLA is on the minus strand); the first of 2 consecutive A bases (chrX:101,407,720-101,407,721); duplicating either gives the same sequence. VCF-style (leftmost placement, unchanged base first): chrX-101407719-G-GA. GRCh37 (hg19) VCF-style: chrX-100662707-G-GA.
Other names: c.184dup, p.Ser62fs (NM_001406747.1, NM_001406748.1, NM_001406749.1); c.301-4215dup (NM_001199973.2); c.178-4215dup (NM_001199974.2); short protein forms S62fs.
Identifiers: ClinVar variation 4087271 (VCV004087271.2).